The following is an entry in ClinVar:

ClinVar aggregate classification (germline): Pathogenic (1 of 4 stars; one submission).

Conditions:
Cornelia de Lange syndrome 4 (CDLS4). Also called: CORNELIA DE LANGE SYNDROME 4 WITH OR WITHOUT MIDLINE BRAIN DEFECTS; RAD21-Related Cornelia de Lange Syndrome. Identifiers: Orphanet 199, MedGen C3553517, MONDO:0013864, OMIM 614701.

Submission:

MVZ Medizinische Genetik Mainz
Classification: Pathogenic for Cornelia de Lange syndrome 4. Last evaluated: 2026-08-14. Review status: criteria provided, single submitter. Criteria: UK Practice Guidelines For Variant Classification V4 01 2020. Collection method: clinical testing. Allele origin: germline. Inheritance: Autosomal dominant inheritance. Affected: yes. Observed: 1 variant allele.
Comment: ACMG Criteria: PVS1,PM2_SUP,PP4

NM_006265.3(RAD21):c.275-2A>G

Gene: RAD21 (RAD21 cohesin complex component; minus strand). Cytogenetic location: 8q24.11.
Variant type: single nucleotide variant.
Coding change: c.275-2A>G on transcript NM_006265.3 (MANE Select); the canonical splice acceptor site of the intron before coding-DNA position 275, A replaced by G.
Molecular consequence: splice acceptor variant.
Genome position (GRCh38, 1-based): chr8:116,861,942, T>C on the plus strand (A>G on the coding strand, the complement: RAD21 is on the minus strand). VCF-style: chr8-116861942-T-C. GRCh37 (hg19) VCF-style: chr8-117874181-T-C.
Identifiers: ClinVar variation 4887021 (VCV004887021.1).